The following is an entry in ClinVar:

NM_031892.3(SH3KBP1):c.1796T>C (p.Met599Thr)

Gene: SH3KBP1 (SH3 domain containing kinase binding protein 1; minus strand). Cytogenetic location: Xp22.12.
Variant type: single nucleotide variant.
Coding change: c.1796T>C on transcript NM_031892.3 (MANE Select); coding-DNA position 1796, T replaced by C.
Protein change: p.Met599Thr; replaces methionine 599 with threonine.
Molecular consequence: missense variant.
Genome position (GRCh38, 1-based): chrX:19,542,021, A>G on the plus strand (T>C on the coding strand, the complement: SH3KBP1 is on the minus strand). VCF-style: chrX-19542021-A-G. GRCh37 (hg19) VCF-style: chrX-19560139-A-G.
Other names: c.1685T>C, p.Met562Thr (NM_001024666.3); c.1082T>C, p.Met361Thr (NM_001184960.2); c.1667T>C, p.Met556Thr (NM_001353890.2); c.1871T>C, p.Met624Thr (NM_001353891.2); c.1742T>C, p.Met581Thr (NM_001353892.2); c.1694T>C, p.Met565Thr (NM_001353893.2); c.1565T>C, p.Met522Thr (NM_001353894.2); c.1622T>C, p.Met541Thr (NM_001353895.2); and 4 more; short protein forms M556T, M562T, M624T, M643T, M361T, M497T, M522T, M541T.
Identifiers: ClinVar variation 2162823 (VCV002162823.4), dbSNP rs759196528, ClinGen allele CA10364445.

ClinVar aggregate classification (germline): Uncertain significance (1 of 4 stars; one submission).

Allele frequency attached by ClinVar (database versions not stated): ExAC 0.00001; gnomAD exomes 0.00001; TOPMed 0.00003; gnomAD 0.00004.
gnomAD v4.1: 13 of 1,210,002 alleles (0.0011%); highest among the groups gnomAD compares: Middle Eastern, 0.023%; no homozygotes.

Submission:

Labcorp Genetics (formerly Invitae), Labcorp
Classification: Uncertain significance. Last evaluated: 2024-03-02. Review status: criteria provided, single submitter. Criteria: Invitae Variant Classification Sherloc (09022015). Collection method: clinical testing. Allele origin: germline.
Comment: This sequence change replaces methionine, which is neutral and non-polar, with threonine, which is neutral and polar, at codon 599 of the SH3KBP1 protein (p.Met599Thr). This variant is present in population databases (rs759196528, gnomAD 0.001%). This variant has not been reported in the literature in individuals affected with SH3KBP1-related conditions. ClinVar contains an entry for this variant (Variation ID: 2162823). Advanced modeling of protein sequence and biophysical properties (such as structural, functional, and spatial information, amino acid conservation, physicochemical variation, residue mobility, and thermodynamic stability) performed at Invitae indicates that this missense variant is not expected to disrupt SH3KBP1 protein function with a negative predictive value of 80%. In summary, the available evidence is currently insufficient to determine the role of this variant in disease. Therefore, it has been classified as a Variant of Uncertain Significance.